The following is an entry in ClinVar:

NM_005732.4(RAD50):c.2939T>G (p.Leu980Arg)

Gene: RAD50 (RAD50 double strand break repair protein; plus strand). Cytogenetic location: 5q31.1.
Variant type: single nucleotide variant.
Coding change: c.2939T>G on transcript NM_005732.4 (MANE Select); coding-DNA position 2939, T replaced by G.
Protein change: p.Leu980Arg; replaces leucine 980 with arginine.
Molecular consequence: missense variant.
Genome position (GRCh38, 1-based): chr5:132,609,299, T>G. VCF-style: chr5-132609299-T-G. GRCh37 (hg19) VCF-style: chr5-131944991-T-G.
Other names: short protein forms L980R.
Identifiers: ClinVar variation 457423 (VCV000457423.16), dbSNP rs1554099389, ClinGen allele CA360960323.

ClinVar aggregate classification (germline): Uncertain significance. Review status: criteria provided, multiple submitters, no conflicts (2 of 4 stars). 2 submissions from 2 submitters: Uncertain significance (2). Last evaluated 2025-12-15.

Conditions:
Hereditary cancer-predisposing syndrome. Also called: Neoplastic Syndromes, Hereditary; Tumor predisposition; Hereditary neoplastic syndrome; Hereditary Cancer Syndrome. Identifiers: Orphanet 140162, MedGen C0027672, MeSH D009386, MONDO:0015356.

Submissions (2):

Ambry Genetics
Classification: Uncertain significance for Hereditary cancer-predisposing syndrome. Last evaluated: 2025-12-15. Review status: criteria provided, single submitter. Criteria: Ambry Variant Classification Scheme 2023. Collection method: clinical testing. Allele origin: germline.
Comment: The p.L980R variant (also known as c.2939T>G), located in coding exon 19 of the RAD50 gene, results from a T to G substitution at nucleotide position 2939. The leucine at codon 980 is replaced by arginine, an amino acid with dissimilar properties. This amino acid position is highly conserved in available vertebrate species. In addition, this alteration is predicted to be deleterious by in silico analysis. Since supporting evidence is limited at this time, the clinical significance of this alteration remains unclear.

Labcorp Genetics (formerly Invitae), Labcorp
Classification: Uncertain significance for Hereditary cancer-predisposing syndrome. Last evaluated: 2022-06-13. Review status: criteria provided, single submitter. Criteria: Invitae Variant Classification Sherloc (09022015). Collection method: clinical testing. Allele origin: germline.
Comment: In summary, the available evidence is currently insufficient to determine the role of this variant in disease. Therefore, it has been classified as a Variant of Uncertain Significance. Algorithms developed to predict the effect of sequence changes on RNA splicing suggest that this variant may create or strengthen a splice site. Algorithms developed to predict the effect of missense changes on protein structure and function are either unavailable or do not agree on the potential impact of this missense change (SIFT: "Deleterious"; PolyPhen-2: "Probably Damaging"; Align-GVGD: "Class C0"). ClinVar contains an entry for this variant (Variation ID: 457423). This variant has not been reported in the literature in individuals affected with RAD50-related conditions. This variant is not present in population databases (gnomAD no frequency). This sequence change replaces leucine, which is neutral and non-polar, with arginine, which is basic and polar, at codon 980 of the RAD50 protein (p.Leu980Arg).